The following is an entry in ClinVar:

ClinVar aggregate classification (germline): Uncertain significance (1 of 4 stars; one submission).

gnomAD v4.1: 4 of 1,613,860 alleles (0.00025%); highest among the groups gnomAD compares: Non-Finnish European, 0.00034%; no homozygotes.

Submission:

Labcorp Genetics (formerly Invitae), Labcorp
Classification: Uncertain significance. Last evaluated: 2025-01-19. Review status: criteria provided, single submitter. Criteria: Invitae Variant Classification Sherloc (09022015). Collection method: clinical testing. Allele origin: germline.
Comment: This sequence change falls in intron 26 of the MYO5B gene. It does not directly change the encoded amino acid sequence of the MYO5B protein. It affects a nucleotide within the consensus splice site. This variant is present in population databases (no rsID available, gnomAD 0.0009%). This variant has not been reported in the literature in individuals affected with MYO5B-related conditions. ClinVar contains an entry for this variant (Variation ID: 1450464). Variants that disrupt the consensus splice site are a relatively common cause of aberrant splicing (PMID: 17576681, 9536098). Algorithms developed to predict the effect of sequence changes on RNA splicing suggest that this variant is not likely to affect RNA splicing. In summary, the available evidence is currently insufficient to determine the role of this variant in disease. Therefore, it has been classified as a Variant of Uncertain Significance.

Literature cited by the submitters: PubMed 17576681; PubMed 9536098.

NM_001080467.3(MYO5B):c.3538-3C>T

Gene: MYO5B (myosin VB; minus strand). Cytogenetic location: 18q21.1.
Variant type: single nucleotide variant.
Coding change: c.3538-3C>T on transcript NM_001080467.3 (MANE Select); 3 bases into the intron before coding-DNA position 3538, C replaced by T.
Molecular consequence: intron variant.
Genome position (GRCh38, 1-based): chr18:49,872,235, G>A on the plus strand (C>T on the coding strand, the complement: MYO5B is on the minus strand). VCF-style: chr18-49872235-G-A. GRCh37 (hg19) VCF-style: chr18-47398605-G-A.
Identifiers: ClinVar variation 1450464 (VCV001450464.5), dbSNP rs371606093, ClinGen allele CA629562126.